The following is an entry in ClinVar:

ClinVar aggregate classification (germline): Uncertain significance (1 of 4 stars; one submission).

Conditions:
Hereditary cancer-predisposing syndrome. Also called: Neoplastic Syndromes, Hereditary; Tumor predisposition; Hereditary Cancer Syndrome; Hereditary neoplastic syndrome. Identifiers: Orphanet 140162, MedGen C0027672, MeSH D009386, MONDO:0015356.

Submission:

Ambry Genetics
Classification: Uncertain significance for Hereditary cancer-predisposing syndrome. Last evaluated: 2024-07-26. Review status: criteria provided, single submitter. Criteria: Ambry Variant Classification Scheme 2023. Collection method: clinical testing. Allele origin: germline.
Comment: The p.Q606K variant (also known as c.1816C>A), located in coding exon 12 of the RAD50 gene, results from a C to A substitution at nucleotide position 1816. The glutamine at codon 606 is replaced by lysine, an amino acid with similar properties. This amino acid position is conserved. In addition, this alteration is predicted to be tolerated by in silico analysis. Based on the available evidence, the clinical significance of this variant remains unclear.

NM_005732.4(RAD50):c.1816C>A (p.Gln606Lys)

Gene: RAD50 (RAD50 double strand break repair protein; plus strand). Cytogenetic location: 5q31.1.
Variant type: single nucleotide variant.
Coding change: c.1816C>A on transcript NM_005732.4 (MANE Select); coding-DNA position 1816, C replaced by A.
Protein change: p.Gln606Lys; replaces glutamine 606 with lysine.
Molecular consequence: missense variant.
Genome position (GRCh38, 1-based): chr5:132,594,891, C>A. VCF-style: chr5-132594891-C-A. GRCh37 (hg19) VCF-style: chr5-131930583-C-A.
Other names: short protein forms Q606K.
Identifiers: ClinVar variation 3429482 (VCV003429482.1).